The following is an entry in ClinVar:

ClinVar aggregate classification (germline): Uncertain significance (1 of 4 stars; one submission).

Conditions:
Hereditary spastic paraplegia 30. Identifiers: Orphanet 101010, MedGen C5235139, MONDO:0012476.
Neuropathy, hereditary sensory, type 2C. Also called: Hereditary sensory and autonomic neuropathy type IIC; KIF1A-Related HSAN2 (HSAN2C). Identifiers: Orphanet 970, MedGen C3280168, MONDO:0013634, OMIM 614213.
Intellectual disability, autosomal dominant 9 (NESCAVS). Also called: NESCAV SYNDROME; KIF1A-Related Neurodevelopmental Disorder. Identifiers: Orphanet 662367, MedGen C5393830, MONDO:0013656, OMIM 614255.

Submission:

Labcorp Genetics (formerly Invitae), Labcorp
Classification: Uncertain significance for Hereditary spastic paraplegia 30; Neuropathy, hereditary sensory, type 2C; Intellectual disability, autosomal dominant 9. Last evaluated: 2022-06-26. Review status: criteria provided, single submitter. Criteria: Invitae Variant Classification Sherloc (09022015). Collection method: clinical testing. Allele origin: germline.
Comment: This sequence change replaces leucine, which is neutral and non-polar, with arginine, which is basic and polar, at codon 1047 of the KIF1A protein (p.Leu1047Arg). This variant is not present in population databases (gnomAD no frequency). This variant has not been reported in the literature in individuals affected with KIF1A-related conditions. Algorithms developed to predict the effect of missense changes on protein structure and function (SIFT, PolyPhen-2, Align-GVGD) all suggest that this variant is likely to be disruptive. In summary, the available evidence is currently insufficient to determine the role of this variant in disease. Therefore, it has been classified as a Variant of Uncertain Significance.

NM_001244008.2(KIF1A):c.3443T>G (p.Leu1148Arg)

Gene: KIF1A (kinesin family member 1A; minus strand). Cytogenetic location: 2q37.3.
Variant type: single nucleotide variant.
Coding change: c.3443T>G on transcript NM_001244008.2 (MANE Select); coding-DNA position 3443, T replaced by G.
Protein change: p.Leu1148Arg; replaces leucine 1148 with arginine.
Molecular consequence: missense variant.
Genome position (GRCh38, 1-based): chr2:240,745,449, A>C on the plus strand (T>G on the coding strand, the complement: KIF1A is on the minus strand). VCF-style: chr2-240745449-A-C. GRCh37 (hg19) VCF-style: chr2-241684866-A-C.
Other names: c.3167T>G, p.Leu1056Arg (NM_001320705.2, NM_001330289.2, NM_001379638.1); c.3242T>G, p.Leu1081Arg (NM_001330290.2, NM_001379634.1, NM_001379635.1 and 1 more transcripts); c.3518T>G, p.Leu1173Arg (NM_001379631.1); c.3392T>G, p.Leu1131Arg (NM_001379632.1); c.3416T>G, p.Leu1139Arg (NM_001379633.1, NM_001379642.1, NM_001379645.1); c.3140T>G, p.Leu1047Arg (NM_001379636.1, NM_001379639.1, NM_001379641.1 and 6 more transcripts); c.3215T>G, p.Leu1072Arg (NM_001379637.1, NM_001379648.1); c.3137T>G, p.Leu1046Arg (NM_001379640.1); short protein forms L1046R, L1056R, L1081R, L1131R, L1148R, L1072R, L1173R, L1047R.
Identifiers: ClinVar variation 2010876 (VCV002010876.4), dbSNP rs2537276401, ClinGen allele CA351317308.